The following is an entry in ClinVar:

ClinVar aggregate classification (germline): Benign. Review status: criteria provided, multiple submitters, no conflicts (2 of 4 stars). 5 submissions from 5 submitters: Benign (4). 1 of the submissions does not count toward it. Last evaluated 2025-10-11.

Conditions:
SYNE1-related disorder. Also called: SYNE1-related disease; SYNE1-related condition; SYNE1-related disorders.
Emery-Dreifuss muscular dystrophy 4, autosomal dominant (EDMD4). Also called: EMERY-DREIFUSS MUSCULAR DYSTROPHY 4 WITH VARIABLE FEATURES. Identifiers: Orphanet 261, MedGen C2751807, MONDO:0013071, OMIM 612998.
Autosomal recessive ataxia, Beauce type. Also called: SYNE1 Deficiency; SYNE1-Related Autosomal Recessive Cerebellar Ataxia; ATAXIA, RECESSIVE, OF BEAUCE; Spinocerebellar ataxia, autosomal recessive 8. Identifiers: Orphanet 88644, MedGen C1853116, MONDO:0012549, OMIM 610743.

Allele frequency attached by ClinVar (database versions not stated): TOPMed 0.00013; 1000 Genomes Project 30x 0.00187; 1000 Genomes Project 0.00240; ExAC 0.00359; gnomAD 0.00412 and 0.00430; gnomAD exomes 0.00441.
gnomAD v4.1: 3,238 of 1,613,960 alleles (0.2%); highest among the groups gnomAD compares: Non-Finnish European, 0.016%; 65 homozygotes.

Submissions (5):

Labcorp Genetics (formerly Invitae), Labcorp
Classification: Benign for Emery-Dreifuss muscular dystrophy 4, autosomal dominant; Autosomal recessive ataxia, Beauce type. Last evaluated: 2025-10-11. Review status: criteria provided, single submitter. Criteria: Invitae Variant Classification Sherloc (09022015). Collection method: clinical testing. Allele origin: germline.

CeGaT Center for Human Genetics Tuebingen
Classification: Benign. Last evaluated: 2022-10-01. Review status: criteria provided, single submitter. Criteria: CeGaT Center For Human Genetics Tuebingen Variant Classification Criteria Version 2. Collection method: clinical testing. Allele origin: germline. Affected: yes. Observed: 1 variant allele.
Comment: SYNE1: BS1, BS2

GeneDx
Classification: Benign. Last evaluated: 2016-12-27. Review status: criteria provided, single submitter. Criteria: GeneDx Variant Classification (06012015). Collection method: clinical testing. Allele origin: germline. Affected: yes.
Comment: This variant is considered likely benign or benign based on one or more of the following criteria: it is a conservative change, it occurs at a poorly conserved position in the protein, it is predicted to be benign by multiple in silico algorithms, and/or has population frequency not consistent with disease.

Eurofins Ntd Llc (ga)
Classification: Benign. Last evaluated: 2016-02-04. Review status: criteria provided, single submitter. Criteria: EGL Classification Definitions 2015. Collection method: clinical testing. Allele origin: germline. Observed: 1 variant allele, 1 heterozygote.

PreventionGenetics, part of Exact Sciences
Classification: Benign for SYNE1-related condition. Last evaluated: 2019-06-26. Review status: no assertion criteria provided. Collection method: clinical testing. Allele origin: germline. Not counted in ClinVar's aggregate classification.
Comment: This variant is classified as benign based on ACMG/AMP sequence variant interpretation guidelines (Richards et al. 2015 PMID: 25741868, with internal and published modifications).

NM_182961.4(SYNE1):c.5341A>T (p.Ile1781Phe)

Gene: SYNE1 (spectrin repeat containing nuclear envelope protein 1; minus strand). Cytogenetic location: 6q25.2.
Variant type: single nucleotide variant.
Coding change: c.5341A>T on transcript NM_182961.4 (MANE Select); coding-DNA position 5341, A replaced by T.
Protein change: p.Ile1781Phe; replaces isoleucine 1781 with phenylalanine.
Molecular consequence: missense variant.
Genome position (GRCh38, 1-based): chr6:152,419,649, T>A on the plus strand (A>T on the coding strand, the complement: SYNE1 is on the minus strand). VCF-style: chr6-152419649-T-A. GRCh37 (hg19) VCF-style: chr6-152740784-T-A.
Other names: c.5362A>T, p.Ile1788Phe (NM_033071.5); short protein forms I1788F, I1781F.
Identifiers: ClinVar variation 286020 (VCV000286020.44), dbSNP rs141796889, ClinGen allele CA4058313.
Genomic context (GRCh38, chr6:152,419,649, plus strand): 5'-CTTGATGGTCCATTATGCTAATCTCAGAGGTAGTTTGTAATTCACTGAGAAACAGTTTAA[T>A]CCAGACAGAAAAGGAAAGCAGCAGCTCATCAAATTGCTGGTGTTCAGCAACCACAGACTG-3'
Protein context (NP_892006.3, residues 1771-1791): DELLLSFSVW[Ile1781Phe]KLFLSELQTT